The following is an entry in ClinVar:

ClinVar aggregate classification (germline): Uncertain significance. Review status: criteria provided, multiple submitters, no conflicts (2 of 4 stars). 2 submissions from 2 submitters: Uncertain significance (2). Last evaluated 2018-11-28.

Conditions:
Inborn genetic diseases. Identifiers: MedGen C0950123, MeSH D030342.

Allele frequency attached by ClinVar (database versions not stated): gnomAD exomes below 0.00001; TOPMed below 0.00001; gnomAD 0.00001.
gnomAD v4.1: 3 of 1,591,582 alleles (0.00019%); highest among the groups gnomAD compares: Non-Finnish European, 0.000086%; no homozygotes.

Submissions (2):

Ambry Genetics
Classification: Uncertain significance for Inborn genetic diseases. Last evaluated: 2018-11-28. Review status: criteria provided, single submitter. Criteria: Ambry Variant Classification Scheme 2023. Collection method: clinical testing. Allele origin: germline.
Comment: The p.A1870V variant (also known as c.5609C>T), located in coding exon 7 of the ANKRD11 gene, results from a C to T substitution at nucleotide position 5609. The alanine at codon 1870 is replaced by valine, an amino acid with similar properties. This amino acid position is poorly conserved in available vertebrate species. In addition, this alteration is predicted to be tolerated by in silico analysis. Since supporting evidence is limited at this time, the clinical significance of this alteration remains unclear.

Genomic Diagnostic Laboratory, Division of Genomic Diagnostics, Children's Hospital of Philadelphia
Classification: Uncertain significance. Last evaluated: 2014-12-31. Review status: criteria provided, single submitter. Criteria: DGD Variant Analysis Guidelines. Collection method: clinical testing. Allele origin: unknown.

NM_013275.6(ANKRD11):c.5609C>T (p.Ala1870Val)

Gene: ANKRD11 (ankyrin repeat domain containing 11; minus strand). Cytogenetic location: 16q24.3.
Variant type: single nucleotide variant.
Coding change: c.5609C>T on transcript NM_013275.6 (MANE Select); coding-DNA position 5609, C replaced by T.
Protein change: p.Ala1870Val; replaces alanine 1870 with valine.
Molecular consequence: missense variant.
Genome position (GRCh38, 1-based): chr16:89,280,933, G>A on the plus strand (C>T on the coding strand, the complement: ANKRD11 is on the minus strand). VCF-style: chr16-89280933-G-A. GRCh37 (hg19) VCF-style: chr16-89347341-G-A.
Other names: c.5609C>T, p.Ala1870Val (NM_001256182.2, NM_001256183.2); short protein forms A1870V.
Identifiers: ClinVar variation 218556 (VCV000218556.3), dbSNP rs864309571, ClinGen allele CA248931.